The following is an entry in ClinVar:

NM_014847.4(UBAP2L):c.2761C>G (p.Pro921Ala)

Gene: UBAP2L (ubiquitin associated protein 2 like; plus strand). Cytogenetic location: 1q21.3.
Variant type: single nucleotide variant.
Coding change: c.2761C>G on transcript NM_014847.4 (MANE Select); coding-DNA position 2761, C replaced by G.
Protein change: p.Pro921Ala; replaces proline 921 with alanine.
Molecular consequence: missense variant.
Genome position (GRCh38, 1-based): chr1:154,261,074, C>G. VCF-style: chr1-154261074-C-G. GRCh37 (hg19) VCF-style: chr1-154233550-C-G.
Other names: c.2761C>G, p.Pro921Ala (NM_001127320.3, NM_001375614.1, NM_001375615.1 and 14 more transcripts); c.2740C>G, p.Pro914Ala (NM_001287815.1); c.2794C>G, p.Pro932Ala (NM_001287816.1, NM_001330730.1, NM_001375612.1 and 2 more transcripts); short protein forms P914A, P921A, P932A.
Identifiers: ClinVar variation 3376925 (VCV003376925.1).

ClinVar aggregate classification (germline): Uncertain significance (1 of 4 stars; one submission).

Conditions:
Neurodevelopmental disorder. Identifiers: MedGen C1535926, MeSH D065886, MONDO:0700092.

gnomAD v4.1: 17 of 1,614,204 alleles (0.0011%); highest among the groups gnomAD compares: Non-Finnish European, 0.0014%; no homozygotes.

Submission:

Victorian Clinical Genetics Services, Murdoch Childrens Research Institute
Classification: Uncertain significance for Neurodevelopmental disorder. Last evaluated: 2023-07-17. Review status: criteria provided, single submitter. Criteria: ACMG Guidelines, 2015. Collection method: clinical testing. Allele origin: germline. Inheritance: Autosomal dominant inheritance. Affected: yes.
Comment: Based on the classification scheme VCGS_Germline_v1.3.4, this variant is classified as VUS-3B. Following criteria are met: 0102 - Loss of function is a known mechanism of disease in this gene and is associated with neurodevelopmental disorder, (MONDO:0700092), UBAP2L-related (PMID: 35977029). (I) 0107 - This gene is associated with autosomal dominant disease (PMID: 35977029). (I) 0115 - Variants in this gene are known to have variable expressivity (PMID: 35977029). (I) 0200 - Variant is predicted to result in a missense amino acid change from proline to alanine. (I) 0251 - This variant is heterozygous. (I) 0301 - Variant is absent from gnomAD (both v2 and v3). (SP) 0309 - An alternative amino acid change at the same position has been observed in gnomAD (v2) (1 heterozygote, 0 homozygotes). However, the quality of this heterozygote is questionable. (I) 0502 - Missense variant with conflicting in silico predictions and uninformative conservation. (I) 0604 - Variant is not located in an established domain, motif, hotspot or informative constraint region. (I) 0705 - No comparable missense variants have previous evidence for pathogenicity. (I) 0807 - This variant has no previous evidence of pathogenicity. (I) 0905 - No published segregation evidence has been identified for this variant. (I) 1007 - No published functional evidence has been identified for this variant. (I) 1208 - Inheritance information for this variant is not currently available in this individual. (I) Legend: (SP) - Supporting pathogenic, (I) - Information, (SB) - Supporting benign

Literature cited by the submitters: PubMed 35977029.